The following is an entry in ClinVar:

ClinVar aggregate classification (germline): Uncertain significance (1 of 4 stars; one submission).

Allele frequency attached by ClinVar (database versions not stated): gnomAD exomes below 0.00001.
gnomAD v4.1: 1 of 1,614,194 alleles (0.000062%); highest among the groups gnomAD compares: Non-Finnish European, 0.000085%; no homozygotes.

Submission:

Labcorp Genetics (formerly Invitae), Labcorp
Classification: Uncertain significance. Last evaluated: 2023-12-07. Review status: criteria provided, single submitter. Criteria: Invitae Variant Classification Sherloc (09022015). Collection method: clinical testing. Allele origin: germline.
Comment: This sequence change replaces glutamine, which is neutral and polar, with glutamic acid, which is acidic and polar, at codon 483 of the PRPF8 protein (p.Gln483Glu). This variant is not present in population databases (gnomAD no frequency). This variant has not been reported in the literature in individuals affected with PRPF8-related conditions. ClinVar contains an entry for this variant (Variation ID: 1008993). Advanced modeling of protein sequence and biophysical properties (such as structural, functional, and spatial information, amino acid conservation, physicochemical variation, residue mobility, and thermodynamic stability) performed at Invitae indicates that this missense variant is expected to disrupt PRPF8 protein function with a positive predictive value of 80%. In summary, the available evidence is currently insufficient to determine the role of this variant in disease. Therefore, it has been classified as a Variant of Uncertain Significance.

NM_006445.4(PRPF8):c.1447C>G (p.Gln483Glu)

Gene: PRPF8 (pre-mRNA processing factor 8; minus strand). Cytogenetic location: 17p13.3.
Variant type: single nucleotide variant.
Coding change: c.1447C>G on transcript NM_006445.4 (MANE Select); coding-DNA position 1447, C replaced by G.
Protein change: p.Gln483Glu; replaces glutamine 483 with glutamic acid.
Molecular consequence: missense variant.
Genome position (GRCh38, 1-based): chr17:1,679,169, G>C on the plus strand (C>G on the coding strand, the complement: PRPF8 is on the minus strand). VCF-style: chr17-1679169-G-C. GRCh37 (hg19) VCF-style: chr17-1582463-G-C.
Other names: short protein forms Q483E.
Identifiers: ClinVar variation 1008993 (VCV001008993.5), dbSNP rs1912767831, ClinGen allele CA397561500.